The following is an entry in ClinVar:

ClinVar aggregate classification (germline): Likely pathogenic (1 of 4 stars; one submission).

Conditions:
Usher syndrome. Also called: Usher Syndromes; Usher's syndrome. Identifiers: Orphanet 886, MedGen CN469326, MeSH D052245, MONDO:0019501. Disease mechanism: loss of function.

Submission:

Women's Health and Genetics/Laboratory Corporation of America, LabCorp
Classification: Likely pathogenic for Retinitis pigmentosa-deafness syndrome. Last evaluated: 2023-02-20. Review status: criteria provided, single submitter. Criteria: LabCorp Variant Classification Summary - May 2015. Collection method: clinical testing. Allele origin: germline.
Comment: Variant summary: WHRN c.375delC (p.Ala126ProfsX16) results in a premature termination codon, predicted to cause a truncation of the encoded protein or absence of the protein due to nonsense mediated decay, which are commonly known mechanisms for disease. Truncations downstream of this position have been cited as pathogenic in ClinVar. The variant allele was found at a frequency of 1.3e-05 in 237010 control chromosomes. To our knowledge, no occurrence of c.375delC in individuals affected with Usher Syndrome and no experimental evidence demonstrating its impact on protein function have been reported. One clinical diagnostic laboratory has submitted clinical-significance assessments for this variant to ClinVar after 2014 and classified the variant as likely pathogenic. Based on the evidence outlined above, the variant was classified as likely pathogenic.

NM_015404.4(WHRN):c.375del (p.Ala126fs)

Gene: WHRN (whirlin; minus strand). Cytogenetic location: 9q32.
Variant type: Deletion.
Coding change: c.375del on transcript NM_015404.4 (MANE Select); coding-DNA position 375, one base deleted (C; older notation c.375delC).
Protein change: p.Ala126fs; shifts the reading frame from alanine 126.
Molecular consequence: frameshift variant.
Genome position (GRCh38, 1-based): chr9:114,504,427, G deleted on the plus strand (C on the coding strand, the reverse complement: WHRN is on the minus strand); the first of 3 consecutive G bases (chr9:114,504,427-114,504,429); deleting any one gives the same sequence. VCF-style (leftmost placement, unchanged base first): chr9-114504426-CG-C. GRCh37 (hg19) VCF-style: chr9-117266706-CG-C.
Other names: c.375del, p.Ala126fs (NM_001173425.2); c.375delC (NM_015404.3); short protein forms A126fs.
Identifiers: ClinVar variation 2445925 (VCV002445925.1), dbSNP rs751838091, ClinGen allele CA5206301.
Genomic context (GRCh38, chr9:114,504,426, plus strand): 5'-CACGCCGCAAACTCACCAGGCGCACCTCCCCTGGCCCCGCGCTGTCGGGGCCGCCCCAGG[CG>C]GGCTGCCTGTAGGGGGTGGTGGCGGGCAGGTAGAGGCCCTCGGCCGTGTATTGGTCGAAG-3'